The following is an entry in ClinVar:

ClinVar aggregate classification (germline): Pathogenic (1 of 4 stars; one submission).

Conditions:
Multiple congenital exostosis (EXT). Also called: MULTIPLE CARTILAGINOUS EXOSTOSES; Hereditary multiple exostoses; Hereditary multiple exostosis; Hereditary multiple osteochondromas; Multiple osteochondromas; Multiple exostoses. Identifiers: Orphanet 321, MedGen C0015306, MONDO:0005508, HP:0002762.

Submission:

Labcorp Genetics (formerly Invitae), Labcorp
Classification: Pathogenic for Multiple congenital exostosis. Last evaluated: 2025-06-22. Review status: criteria provided, single submitter. Criteria: Invitae Variant Classification Sherloc (09022015). Collection method: clinical testing. Allele origin: germline.
Comment: This sequence change replaces arginine, which is basic and polar, with tryptophan, which is neutral and slightly polar, at codon 270 of the EXT1 protein (p.Arg270Trp). This variant is not present in population databases (gnomAD no frequency). This missense change has been observed in individual(s) with multiple osteochondromas (PMID: 19810120, 30806661). Invitae Evidence Modeling of protein sequence and biophysical properties (such as structural, functional, and spatial information, amino acid conservation, physicochemical variation, residue mobility, and thermodynamic stability) indicates that this missense variant is expected to disrupt EXT1 protein function with a positive predictive value of 95%. For these reasons, this variant has been classified as Pathogenic.

Literature cited by the submitters: PubMed 19810120; PubMed 30806661.

NM_000127.3(EXT1):c.808A>T (p.Arg270Trp)

Gene: EXT1 (exostosin glycosyltransferase 1; minus strand). Cytogenetic location: 8q24.11.
Variant type: single nucleotide variant.
Coding change: c.808A>T on transcript NM_000127.3 (MANE Select); coding-DNA position 808, A replaced by T.
Protein change: p.Arg270Trp; replaces arginine 270 with tryptophan.
Molecular consequence: missense variant.
Genome position (GRCh38, 1-based): chr8:118,110,239, T>A on the plus strand (A>T on the coding strand, the complement: EXT1 is on the minus strand). VCF-style: chr8-118110239-T-A. GRCh37 (hg19) VCF-style: chr8-119122478-T-A.
Other names: short protein forms R270W.
Identifiers: ClinVar variation 4709656 (VCV004709656.1).